The following is an entry in ClinVar:

ClinVar aggregate classification (germline): Pathogenic (1 of 4 stars; one submission).

Submission:

Labcorp Genetics (formerly Invitae), Labcorp
Classification: Pathogenic. Last evaluated: 2025-07-03. Review status: criteria provided, single submitter. Criteria: Invitae Variant Classification Sherloc (09022015). Collection method: clinical testing. Allele origin: germline.
Comment: This sequence change creates a premature translational stop signal (p.Gln709*) in the SPTA1 gene. It is expected to result in an absent or disrupted protein product. Loss-of-function variants in SPTA1 are known to be pathogenic (PMID: 9192783, 18815189, 31333484, 31723846, 32266426). This variant is not present in population databases (gnomAD no frequency). This variant has not been reported in the literature in individuals affected with SPTA1-related conditions. Algorithms developed to predict the effect of sequence changes on RNA splicing suggest that this variant may disrupt the consensus splice site. For these reasons, this variant has been classified as Pathogenic.

Literature cited by the submitters: PubMed 9192783; PubMed 18815189; PubMed 31333484; PubMed 31723846; PubMed 32266426.

NM_003126.4(SPTA1):c.2125C>T (p.Gln709Ter)

Gene: SPTA1 (spectrin alpha, erythrocytic 1; minus strand). Cytogenetic location: 1q23.1.
Variant type: single nucleotide variant.
Coding change: c.2125C>T on transcript NM_003126.4 (MANE Select); coding-DNA position 2125, C replaced by T.
Protein change: p.Gln709Ter; replaces glutamine 709 with a stop codon.
Molecular consequence: nonsense.
Genome position (GRCh38, 1-based): chr1:158,666,411, G>A on the plus strand (C>T on the coding strand, the complement: SPTA1 is on the minus strand). VCF-style: chr1-158666411-G-A. GRCh37 (hg19) VCF-style: chr1-158636201-G-A.
Other names: short protein forms Q709*.
Identifiers: ClinVar variation 4761465 (VCV004761465.1).